The following is an entry in ClinVar:

NM_001099271.2(POC5):c.452T>G (p.Val151Gly)

Gene: POC5 (POC5 centriolar protein; minus strand). Cytogenetic location: 5q13.3.
Variant type: single nucleotide variant.
Coding change: c.452T>G on transcript NM_001099271.2 (MANE Select); coding-DNA position 452, T replaced by G.
Protein change: p.Val151Gly; replaces valine 151 with glycine.
Molecular consequence: missense variant.
Genome position (GRCh38, 1-based): chr5:75,702,666, A>C on the plus strand (T>G on the coding strand, the complement: POC5 is on the minus strand). VCF-style: chr5-75702666-A-C. GRCh37 (hg19) VCF-style: chr5-74998491-A-C.
Other names: c.377T>G, p.Val126Gly (NM_152408.3); short protein forms V126G, V151G.
Identifiers: ClinVar variation 1714971 (VCV001714971.5), dbSNP rs2478915976, ClinGen allele CA360149722.

ClinVar aggregate classification (germline): Uncertain significance (1 of 4 stars; one submission).

Allele frequency attached by ClinVar (database versions not stated): gnomAD exomes 0.00001.
gnomAD v4.1: 6 of 1,613,036 alleles (0.00037%); highest among the groups gnomAD compares: Non-Finnish European, 0.00051%; no homozygotes.

Submission:

Labcorp Genetics (formerly Invitae), Labcorp
Classification: Uncertain significance. Last evaluated: 2022-08-03. Review status: criteria provided, single submitter. Criteria: Invitae Variant Classification Sherloc (09022015). Collection method: clinical testing. Allele origin: germline.
Comment: This variant has not been reported in the literature in individuals affected with POC5-related conditions. This variant is not present in population databases (gnomAD no frequency). This sequence change replaces valine, which is neutral and non-polar, with glycine, which is neutral and non-polar, at codon 151 of the POC5 protein (p.Val151Gly). In summary, the available evidence is currently insufficient to determine the role of this variant in disease. Therefore, it has been classified as a Variant of Uncertain Significance. Algorithms developed to predict the effect of missense changes on protein structure and function are either unavailable or do not agree on the potential impact of this missense change (SIFT: "Not Available"; PolyPhen-2: "Benign"; Align-GVGD: "Not Available").